The following is an entry in ClinVar:

ClinVar aggregate classification (germline): Uncertain significance (0 of 4 stars; one submission).

Allele frequency attached by ClinVar (database versions not stated): gnomAD exomes below 0.00001.
gnomAD v4.1: 1 of 1,613,144 alleles (0.000062%); no homozygotes.

Submission:

Martin Pollak Laboratory,  Beth Israel Deaconess Medical Center
Classification: Uncertain significance. Review status: no assertion criteria provided. Collection method: not provided. Allele origin: unknown.
Comment: Lower UCa2+ group
ClinVar note: Converted during submission from unknown to Uncertain significance.

NM_003052.5(SLC34A1):c.660C>G (p.Ala220=)

Gene: SLC34A1 (solute carrier family 34 member 1; plus strand). Cytogenetic location: 5q35.3.
Variant type: single nucleotide variant.
Coding change: c.660C>G on transcript NM_003052.5 (MANE Select); coding-DNA position 660, C replaced by G.
Protein change: p.Ala220=; no amino-acid change (alanine 220 retained).
Molecular consequence: synonymous variant.
Genome position (GRCh38, 1-based): chr5:177,388,009, C>G. VCF-style: chr5-177388009-C-G. GRCh37 (hg19) VCF-style: chr5-176815010-C-G.
Other names: c.660C>G, p.Ala220= (NM_001167579.2).
Identifiers: ClinVar variation 64494 (VCV000064494.2), dbSNP rs387907505, ClinGen allele CA025508.
Genomic context (GRCh38, chr5:177,388,009, plus strand): 5'-GTGCACTGGCTCGAGCCTGCCTTGCAATGTGGCCTCCCTGCCCAGGGCCTTCGCGGGGGC[C>G]ACGGTGCATGACTGCTTTAACTGGCTGTCAGTGCTGGTCCTGCTGCCCCTGGAGGCTGCC-3'
Protein context (NP_003043.3, residues 210-230): RTDFRRAFAG[Ala220=]TVHDCFNWLS